The following is an entry in ClinVar:

NM_001605.3(AARS1):c.926T>C (p.Leu309Pro)

Gene: AARS1 (alanyl-tRNA synthetase 1; minus strand). Cytogenetic location: 16q22.1.
Variant type: single nucleotide variant.
Coding change: c.926T>C on transcript NM_001605.3 (MANE Select); coding-DNA position 926, T replaced by C.
Protein change: p.Leu309Pro; replaces leucine 309 with proline.
Molecular consequence: missense variant.
Genome position (GRCh38, 1-based): chr16:70,269,654, A>G on the plus strand (T>C on the coding strand, the complement: AARS1 is on the minus strand). VCF-style: chr16-70269654-A-G. GRCh37 (hg19) VCF-style: chr16-70303557-A-G.
Other names: short protein forms L309P.
Identifiers: ClinVar variation 864761 (VCV000864761.10), dbSNP rs1960350126, ClinGen allele CA396564516.

ClinVar aggregate classification (germline): Uncertain significance (1 of 4 stars; one submission).

Conditions:
Charcot-Marie-Tooth disease type 2. Also called: Charcot-Marie-Tooth type 2. Identifiers: Orphanet 64746, MedGen C0270914, MONDO:0018993.

Submission:

Labcorp Genetics (formerly Invitae), Labcorp
Classification: Uncertain significance for Charcot-Marie-Tooth disease type 2. Last evaluated: 2019-12-24. Review status: criteria provided, single submitter. Criteria: Invitae Variant Classification Sherloc (09022015). Collection method: clinical testing. Allele origin: germline.
Comment: In summary, the available evidence is currently insufficient to determine the role of this variant in disease. Therefore, it has been classified as a Variant of Uncertain Significance. Algorithms developed to predict the effect of missense changes on protein structure and function are either unavailable or do not agree on the potential impact of this missense change (SIFT: "Deleterious"; PolyPhen-2: "Probably Damaging"; Align-GVGD: "Class C0"). This variant has not been reported in the literature in individuals with AARS-related conditions. This variant is not present in population databases (ExAC no frequency). This sequence change replaces leucine with proline at codon 309 of the AARS protein (p.Leu309Pro). The leucine residue is highly conserved and there is a moderate physicochemical difference between leucine and proline.